The following is an entry in ClinVar:

ClinVar aggregate classification (germline): Benign/Likely benign. Review status: criteria provided, multiple submitters, no conflicts (2 of 4 stars). 4 submissions from 4 submitters: Benign (1); Likely benign (3). Last evaluated 2025-10-31.

Conditions:
Birt-Hogg-Dube syndrome 1 (BHD1). Also called: FIBROFOLLICULOMAS WITH TRICHODISCOMAS AND ACROCHORDONS. Identifiers: Orphanet 122, MedGen CN375946, MONDO:0800445, OMIM 135150.
Hereditary cancer-predisposing syndrome. Also called: Hereditary neoplastic syndrome; Neoplastic Syndromes, Hereditary; Tumor predisposition; Hereditary Cancer Syndrome. Identifiers: Orphanet 140162, MedGen C0027672, MeSH D009386, MONDO:0015356.
Birt-Hogg-Dube syndrome. Also called: Birt Hogg Dubé syndrome. Identifiers: Orphanet 122, MedGen C0346010, MONDO:0800444.

Allele frequency attached by ClinVar (database versions not stated): gnomAD exomes below 0.00001 and 0.00002; gnomAD 0.00001 and 0.00002; ExAC 0.00002; TOPMed 0.00002.
gnomAD v4.1: 32 of 1,614,050 alleles (0.002%); highest among the groups gnomAD compares: South Asian, 0.0066%; no homozygotes.

Submissions (4):

Labcorp Genetics (formerly Invitae), Labcorp
Classification: Likely benign for Birt-Hogg-Dube syndrome. Last evaluated: 2025-10-31. Review status: criteria provided, single submitter. Criteria: Invitae Variant Classification Sherloc (09022015). Collection method: clinical testing. Allele origin: germline.

Myriad Genetics, Inc.
Classification: Benign for Birt-Hogg-Dube syndrome 1. Last evaluated: 2024-10-22. Review status: criteria provided, single submitter. Criteria: Myriad Autosomal Dominant, Autosomal Recessive and X-Linked Classification Criteria (2023). Collection method: clinical testing. Allele origin: unknown.
Comment: This variant is considered benign. This variant is a silent/synonymous amino acid change and it is not expected to impact splicing.

GeneDx
Classification: Likely benign. Last evaluated: 2018-11-05. Review status: criteria provided, single submitter. Criteria: GeneDx Variant Classification Process June 2021. Collection method: clinical testing. Allele origin: germline. Affected: yes.
Comment: This variant is associated with the following publications: (PMID: 27149842)

Ambry Genetics
Classification: Likely benign for Hereditary cancer-predisposing syndrome. Last evaluated: 2017-01-24. Review status: criteria provided, single submitter. Criteria: Ambry Variant Classification Scheme 2023. Collection method: clinical testing. Allele origin: germline.

NM_144997.7(FLCN):c.318C>T (p.Tyr106=)

Gene: FLCN (folliculin; minus strand). Cytogenetic location: 17p11.2.
Variant type: single nucleotide variant.
Coding change: c.318C>T on transcript NM_144997.7 (MANE Select); coding-DNA position 318, C replaced by T.
Protein change: p.Tyr106=; no amino-acid change (tyrosine 106 retained).
Molecular consequence: synonymous variant.
Genome position (GRCh38, 1-based): chr17:17,226,254, G>A on the plus strand (C>T on the coding strand, the complement: FLCN is on the minus strand). VCF-style: chr17-17226254-G-A. GRCh37 (hg19) VCF-style: chr17-17129568-G-A.
Other names: c.318C>T (LRG_325t1); c.318C>T, p.Tyr106= (NM_001353229.2, NM_001353230.2, NM_001353231.2 and 1 more transcripts).
Identifiers: ClinVar variation 460612 (VCV000460612.19), dbSNP rs773946854, ClinGen allele CA8416451.